The following is an entry in ClinVar:

ClinVar aggregate classification (germline): Likely pathogenic (1 of 4 stars; one submission).

Conditions:
Autosomal recessive polycystic kidney disease (ARPKD). Also called: AR polycystic kidney disease. Identifiers: Orphanet 731, Orphanet 8378, MedGen C0085548, MeSH D017044, MONDO:0009889.

Submission:

Natera, Inc.
Classification: Likely pathogenic for Autosomal recessive polycystic kidney disease. Last evaluated: 2024-04-18. Review status: criteria provided, single submitter. Criteria: Natera Variant Classification Schema (03/2026). Collection method: clinical testing. Allele origin: germline.
Comment: The c.8557delGinsAAAGTTTA variant in PKHD1 is a frameshift variant predicted to shift the reading frame beginning at codon 2853 and leads to a stop codon 15 codons downstream. This variant is expected to result in nonsense mediated decay, truncation, or a dysfunctional protein product. This variant is rare in the general population with a frequency below the threshold expected for the associated phenotype(s). Given the available evidence, this variant is classified as Likely Pathogenic.

NM_138694.4(PKHD1):c.8557delinsAAAGTTTA (p.Val2853fs)

Gene: PKHD1 (PKHD1 ciliary IPT domain containing fibrocystin/polyductin; minus strand). Cytogenetic location: 6p12.3.
Variant type: Indel.
Coding change: c.8557delinsAAAGTTTA on transcript NM_138694.4 (MANE Select); coding-DNA position 8557, G replaced by AAAGTTTA.
Protein change: p.Val2853fs; shifts the reading frame from valine 2853.
Molecular consequence: frameshift variant.
Genome position (GRCh38, 1-based): chr6:51,772,787, C replaced by TAAACTTT on the plus strand (G replaced by AAAGTTTA on the coding strand, the reverse complement: PKHD1 is on the minus strand). VCF-style: chr6-51772787-C-TAAACTTT. GRCh37 (hg19) VCF-style: chr6-51637585-C-TAAACTTT.
Other names: c.8557delinsAAAGTTTA, p.Val2853fs (NM_170724.3); short protein forms V2853fs.
Identifiers: ClinVar variation 4816777 (VCV004816777.1).